The following is an entry in ClinVar:

ClinVar aggregate classification (germline): Pathogenic. Review status: criteria provided, multiple submitters, no conflicts (2 of 4 stars). 2 submissions from 2 submitters: Pathogenic (2). Last evaluated 2023-05-15.

Conditions:
DeSanto-Shinawi syndrome due to WAC point mutation (DESSH). Also called: WAC-Related Intellectual Disability; Facial dysmorphism-developmental delay-behavioral abnormalities syndrome due to WAC point mutation; DEVELOPMENTAL DELAY, BEHAVIORAL ABNORMALITIES, FACIAL DYSMORPHISM, AND OCULAR ABNORMALITIES. Identifiers: Orphanet 284169, Orphanet 466950, MedGen C5681129, MONDO:0014741, OMIM 616708.

Submissions (2):

Baylor Genetics
Classification: Pathogenic for DeSanto-Shinawi syndrome due to WAC point mutation. Last evaluated: 2023-05-15. Review status: criteria provided, single submitter. Criteria: ACMG Guidelines, 2015. Collection method: clinical testing. Allele origin: unknown.

GeneDx
Classification: Pathogenic. Last evaluated: 2021-02-24. Review status: criteria provided, single submitter. Criteria: GeneDx Variant Classification Process June 2021. Collection method: clinical testing. Allele origin: germline. Affected: yes.
Comment: Frameshift variant predicted to result in protein truncation or nonsense mediated decay in a gene for which loss-of-function is a known mechanism of disease; Not observed in large population cohorts (Lek et al., 2016); Has not been previously published as pathogenic or benign to our knowledge

NM_016628.5(WAC):c.310del (p.His104fs)

Gene: WAC (WW domain containing adaptor with coiled-coil; plus strand). Cytogenetic location: 10p12.1.
Variant type: Deletion.
Coding change: c.310del on transcript NM_016628.5 (MANE Select); coding-DNA position 310, one base deleted (C; older notation c.310delC).
Protein change: p.His104fs; shifts the reading frame from histidine 104.
Molecular consequence: frameshift variant.
Genome position (GRCh38, 1-based): chr10:28,583,434, C deleted; the last of 2 consecutive C bases (chr10:28,583,433-28,583,434); deleting either gives the same sequence. VCF-style (leftmost placement, unchanged base first): chr10-28583432-AC-A. GRCh37 (hg19) VCF-style: chr10-28872361-AC-A.
Other names: c.175del, p.His59fs (NM_100264.3); c.310del, p.His104fs (NM_100486.4); c.310delC (NM_016628.4); short protein forms H104fs, H59fs.
Identifiers: ClinVar variation 817992 (VCV000817992.3), dbSNP rs1589196229, ClinGen allele CA915945876.